The following is an entry in ClinVar:

NM_005739.4(RASGRP1):c.865C>T (p.Gln289Ter)

Gene: RASGRP1 (RAS guanyl releasing protein 1; minus strand). Cytogenetic location: 15q14.
Variant type: single nucleotide variant.
Coding change: c.865C>T on transcript NM_005739.4 (MANE Select); coding-DNA position 865, C replaced by T.
Protein change: p.Gln289Ter; replaces glutamine 289 with a stop codon.
Molecular consequence: nonsense.
Genome position (GRCh38, 1-based): chr15:38,511,705, G>A on the plus strand (C>T on the coding strand, the complement: RASGRP1 is on the minus strand). VCF-style: chr15-38511705-G-A. GRCh37 (hg19) VCF-style: chr15-38803906-G-A.
Other names: c.865C>T, p.Gln289Ter (NM_001128602.2, NM_001306086.2); short protein forms Q289*.
Identifiers: ClinVar variation 2042216 (VCV002042216.4), dbSNP rs2542897781, ClinGen allele CA391651072.

ClinVar aggregate classification (germline): Pathogenic (1 of 4 stars; one submission).

Allele frequency attached by ClinVar (database versions not stated): gnomAD exomes below 0.00001.
gnomAD v4.1: 2 of 1,613,344 alleles (0.00012%); highest among the groups gnomAD compares: Non-Finnish European, 0.00017%; no homozygotes.

Submission:

Labcorp Genetics (formerly Invitae), Labcorp
Classification: Pathogenic. Last evaluated: 2023-12-07. Review status: criteria provided, single submitter. Criteria: Invitae Variant Classification Sherloc (09022015). Collection method: clinical testing. Allele origin: germline.
Comment: This sequence change creates a premature translational stop signal (p.Gln289*) in the RASGRP1 gene. It is expected to result in an absent or disrupted protein product. Loss-of-function variants in RASGRP1 are known to be pathogenic (PMID: 11017103, 27776107, 28822832). This variant is not present in population databases (gnomAD no frequency). This variant has not been reported in the literature in individuals affected with RASGRP1-related conditions. ClinVar contains an entry for this variant (Variation ID: 2042216). Algorithms developed to predict the effect of sequence changes on RNA splicing suggest that this variant may disrupt the consensus splice site. For these reasons, this variant has been classified as Pathogenic.

Literature cited by the submitters: PubMed 11017103; PubMed 27776107; PubMed 28822832.